The following is an entry in ClinVar:

ClinVar aggregate classification (germline): Conflicting classifications of pathogenicity. Review status: criteria provided, conflicting classifications (1 of 4 stars). 8 submissions from 8 submitters: Uncertain significance (3); Likely benign (3). 2 of the submissions do not count toward it. Last evaluated 2026-01-04.

Conditions:
Hereditary cancer-predisposing syndrome. Also called: Neoplastic Syndromes, Hereditary; Hereditary neoplastic syndrome; Tumor predisposition; Hereditary Cancer Syndrome. Identifiers: Orphanet 140162, MedGen C0027672, MeSH D009386, MONDO:0015356.
Familial hypocalciuric hypercalcemia (FHH). Also called: Familial benign hypercalcemia. Identifiers: Orphanet 405, MedGen C1809471, MONDO:0018458.
Autosomal dominant hypocalcemia 1 (HYPOC1). Also called: HYPOCALCEMIA, FAMILIAL. Identifiers: MedGen C3715128, MONDO:0011013, OMIM 601198.
Nephrolithiasis/nephrocalcinosis. Identifiers: MedGen CN580796.

Allele frequency attached by ClinVar (database versions not stated): ESP Exome Variant Server 0.00008; gnomAD exomes 0.00020 and 0.00057; TOPMed 0.00037; ExAC 0.00049; gnomAD 0.00050 and 0.00052.
gnomAD v4.1: 374 of 1,614,198 alleles (0.023%); highest among the groups gnomAD compares: East Asian, 0.16%; no homozygotes.

Submissions (8):

Labcorp Genetics (formerly Invitae), Labcorp
Classification: Likely benign for Familial hypocalciuric hypercalcemia; Autosomal dominant hypocalcemia 1. Last evaluated: 2026-01-04. Review status: criteria provided, single submitter. Criteria: Invitae Variant Classification Sherloc (09022015). Collection method: clinical testing. Allele origin: germline.

Women's Health and Genetics/Laboratory Corporation of America, LabCorp
Classification: Likely benign. Last evaluated: 2023-07-14. Review status: criteria provided, single submitter. Criteria: LabCorp Variant Classification Summary - May 2015. Collection method: clinical testing. Allele origin: germline.
Comment: Variant summary: CASR c.1192G>A (p.Asp398Asn) results in a conservative amino acid change located in the Receptor, ligand binding region (IPR001828) of the encoded protein sequence. Four of five in-silico tools predict a benign effect of the variant on protein function. The variant allele was found at a frequency of 0.0006 in 251436 control chromosomes in gnomAD. The observed variant frequency is approximately 45-fold of the estimated maximal expected allele frequency for a pathogenic variant in CASR causing Familial Hypocalciuric Hypercalcemia phenotype (1.3e-05), strongly suggesting that the variant is benign. c.1192G>A has been reported in the literature in an individual affected with Familial Hypocalciuric Hypercalcemia. The variant was found to co-occur in this individual with a (likely) pathogenic variant (CASR c.1670G>A, p.Gly557Glu), providing supporting evidence for a benign role (Zajickova_2020). The following publication has been ascertained in the context of this evaluation (PMID: 33094630). Five submitters have cited clinical-significance assessments for this variant to ClinVar after 2014. Multiple submitters reported the variant with conflicting assessments (Likely benign, n=2; Uncertain significance, n=3). Based on the evidence outlined above, the variant was classified as likely benign.

Sema4
Classification: Uncertain significance for Hereditary cancer-predisposing syndrome. Last evaluated: 2021-04-23. Review status: criteria provided, single submitter. Criteria: Sema4 Curation Guidelines. Collection method: curation. Allele origin: germline.
Comment: The CASR c.1192G>A (p.D398N) variant has been reported in one individual with hypercalcemia, however this individual also carried a second variant in CASR thought to be disease-causing (PMID: 33094630). It was observed in 88/19952 chromosomes of the East Asian subpopulation, with 0 homozygotes, in the large and broad cohorts of the Genome Aggregation Database. The variant has been reported in ClinVar (Variation ID 64427). In silico tools suggest the impact of the variant on protein function is inconclusive, though these predictions have not been confirmed by functional studies. The evidence is insufficient to meet ACMG/AMP criteria for classifying the variant as benign or pathogenic. Thus, the clinical significance of this variant is currently uncertain.

Ambry Genetics
Classification: Likely benign for Nephrolithiasis/nephrocalcinosis. Last evaluated: 2018-12-07. Review status: criteria provided, single submitter. Criteria: Ambry Variant Classification Scheme 2023. Collection method: clinical testing. Allele origin: germline.

Genetic Services Laboratory, University of Chicago
Classification: Uncertain significance. Last evaluated: 2018-06-18. Review status: criteria provided, single submitter. Criteria: ACMG Guidelines, 2015. Collection method: clinical testing. Allele origin: germline. Affected: no.

GeneDx
Classification: Uncertain significance. Last evaluated: 2016-03-09. Review status: criteria provided, single submitter. Criteria: GeneDx Variant Classification (06012015). Collection method: clinical testing. Allele origin: germline. Affected: yes.
Comment: The D398N variant has not been published as a pathogenic variant, nor has it been reported as a benign variant to our knowledge. The NHLBI Exome Sequencing Project reports D398N was observed in 1/8600 (0.012%) alleles from individuals of European background, indicating it may be a rare variant in this population. The D398N variant is a semi-conservative amino acid substitution, which may impact secondary protein structure as these residues differ in some properties. This substitution occurs at a position that is not conserved. In silico analysis is inconsistent in its predictions as to whether or not the variant is damaging to the protein structure/function. Therefore, based on the currently available information, it is unclear whether this variant is a pathogenic variant or a rare benign variant.

Department of Pathology and Laboratory Medicine, Sinai Health System
Classification: Uncertain significance. Review status: no assertion criteria provided. Collection method: clinical testing. Allele origin: unknown. Affected: yes. Study: The Canadian Open Genetics Repository (COGR). Not counted in ClinVar's aggregate classification.
Comment: The CASR p.Asp398Asn variant was not identified in the literature but was identified in dbSNP (ID: rs201177696) and ClinVar (classified as uncertain significance by GeneDx and likely benign by Invitae and Ambry Genetics). The variant was identified in control databases in 147 of 268300 chromosomes at a frequency of 0.0005479 increasing the likelihood this could be a low frequency benign variant (Genome Aggregation Database March 6, 2019, v2.1.1). The variant was observed in the following populations: East Asian in 87 of 19250 chromosomes (freq: 0.004519), Ashkenazi Jewish in 10 of 9860 chromosomes (freq: 0.001014), Latino in 17 of 35106 chromosomes (freq: 0.000484), Other in 3 of 6702 chromosomes (freq: 0.000448) and European (non-Finnish) in 30 of 118132 chromosomes (freq: 0.000254), but was not observed in the African, European (Finnish), or South Asian populations. The p.Asp398 residue is not conserved in mammals and computational analyses (PolyPhen-2, SIFT, AlignGVGD, BLOSUM, MutationTaster) do not suggest a high likelihood of impact to the protein; however, this information is not predictive enough to rule out pathogenicity. The variant occurs outside of the splicing consensus sequence and in silico or computational prediction software programs (SpliceSiteFinder, MaxEntScan, NNSPLICE, GeneSplicer) do not predict a difference in splicing. In summary, based on the above information the clinical significance of this variant cannot be determined with certainty at this time. This variant is classified as a variant of uncertain significance.

Martin Pollak Laboratory,  Beth Israel Deaconess Medical Center
Classification: Uncertain significance. Review status: no assertion criteria provided. Collection method: not provided. Allele origin: unknown. Not counted in ClinVar's aggregate classification.
Comment: Lower UCa2+ group
ClinVar note: Converted during submission from unknown to Uncertain significance.

Literature cited by the submitters: PubMed 33094630 (cited by Women's Health and Genetics/Laboratory Corporation of America, LabCorp and Sema4).

NM_000388.4(CASR):c.1192G>A (p.Asp398Asn)

Gene: CASR (calcium sensing receptor; plus strand). Cytogenetic location: 3q21.1.
Variant type: single nucleotide variant.
Coding change: c.1192G>A on transcript NM_000388.4 (MANE Select); coding-DNA position 1192, G replaced by A.
Protein change: p.Asp398Asn; replaces aspartic acid 398 with asparagine.
Molecular consequence: missense variant.
Genome position (GRCh38, 1-based): chr3:122,262,227, G>A. VCF-style: chr3-122262227-G-A. GRCh37 (hg19) VCF-style: chr3-121981074-G-A.
Other names: c.1192G>A, p.Asp398Asn (NM_001178065.2); short protein forms D398N.
Identifiers: ClinVar variation 64427 (VCV000064427.24), dbSNP rs201177696, ClinGen allele CA216118.